The following is an entry in ClinVar:

ClinVar aggregate classification (germline): Likely pathogenic. Review status: criteria provided, single submitter (1 of 4 stars). 2 submissions from 2 submitters: Likely pathogenic (1). 1 of the submissions does not count toward it. Last evaluated 2023-12-20.

Conditions:
Cohen syndrome (COH1). Also called: PEPPER SYNDROME; Cutis verticis gyrata, retinitis pigmentosa, and sensorineural deafness. Identifiers: Orphanet 193, MedGen C0265223, MONDO:0008999, OMIM 216550.

Submissions (2):

Labcorp Genetics (formerly Invitae), Labcorp
Classification: Likely pathogenic for Cohen syndrome. Last evaluated: 2023-12-20. Review status: criteria provided, single submitter. Criteria: Invitae Variant Classification Sherloc (09022015). Collection method: clinical testing. Allele origin: germline.
Comment: This sequence change affects an acceptor splice site in intron 9 of the VPS13B gene. It is expected to disrupt RNA splicing. Variants that disrupt the donor or acceptor splice site typically lead to a loss of protein function (PMID: 16199547), and loss-of-function variants in VPS13B are known to be pathogenic (PMID: 15141358, 16648375, 20461111). This variant is not present in population databases (gnomAD no frequency). This variant has not been reported in the literature in individuals affected with VPS13B-related conditions. ClinVar contains an entry for this variant (Variation ID: 558671). Algorithms developed to predict the effect of sequence changes on RNA splicing suggest that this variant may disrupt the consensus splice site. In summary, the currently available evidence indicates that the variant is pathogenic, but additional data are needed to prove that conclusively. Therefore, this variant has been classified as Likely Pathogenic.

Counsyl
Classification: Likely pathogenic for Cohen syndrome. Last evaluated: 2018-06-04. Review status: no assertion criteria provided. Collection method: clinical testing. Allele origin: unknown. Not counted in ClinVar's aggregate classification.

Literature cited by the submitters: PubMed 16199547 (cited by Labcorp Genetics (formerly Invitae), Labcorp); PubMed 15141358 (cited by Labcorp Genetics (formerly Invitae), Labcorp); PubMed 16648375 (cited by Labcorp Genetics (formerly Invitae), Labcorp); PubMed 20461111 (cited by Labcorp Genetics (formerly Invitae), Labcorp).

NM_152564.5(VPS13B):c.1303-1G>C

Gene: VPS13B (vacuolar protein sorting 13 homolog B; plus strand). Cytogenetic location: 8q22.2.
Variant type: single nucleotide variant.
Coding change: c.1303-1G>C on transcript NM_152564.5 (MANE Select); the canonical splice acceptor site of the intron before coding-DNA position 1303, G replaced by C.
Molecular consequence: splice acceptor variant.
Genome position (GRCh38, 1-based): chr8:99,135,014, G>C. VCF-style: chr8-99135014-G-C. GRCh37 (hg19) VCF-style: chr8-100147242-G-C.
Other names: c.1303-1G>C (NM_017890.5, NM_015243.3).
Identifiers: ClinVar variation 558671 (VCV000558671.5), dbSNP rs1554634091, ClinGen allele CA371862610.
Genomic context (GRCh38, chr8:99,135,014, plus strand): 5'-AAGCCTCTAACATTTTTATTAAATTCAATTCTTAGTTCTAATGTTTCCTTTCGTCTTATA[G>C]GCCCTTATGATGGGAGAACCTTTCTTTGATTGCCAGATTGGGTTTGTTGGTTGCAGAGCC-3'